The following is an entry in ClinVar:

NM_152263.4(TPM3):c.340C>T (p.Leu114=)

Gene: TPM3 (tropomyosin 3; minus strand). Cytogenetic location: 1q21.3.
Variant type: single nucleotide variant.
Coding change: c.340C>T on transcript NM_152263.4 (MANE Select); coding-DNA position 340, C replaced by T.
Protein change: p.Leu114=; no amino-acid change (leucine 114 retained).
Molecular consequence: synonymous variant. On other transcripts: 5 prime UTR variant (1), non-coding transcript variant (1), intron variant (1).
Genome position (GRCh38, 1-based): chr1:154,176,152, G>A on the plus strand (C>T on the coding strand, the complement: TPM3 is on the minus strand). VCF-style: chr1-154176152-G-A. GRCh37 (hg19) VCF-style: chr1-154148628-G-A.
Other names: c.229C>T, p.Leu77= (NM_001043351.2, NM_001043352.2, NM_001043353.2 and 5 more transcripts); c.-42C>T (NM_001278191.2); c.340C>T, p.Leu114= (NM_001364679.2, NM_001364680.2, NM_001364681.2 and 1 more transcripts); c.69-2951C>T (NM_001278188.2).
Identifiers: ClinVar variation 389121 (VCV000389121.9), dbSNP rs760913266, ClinGen allele CA16603438.

ClinVar aggregate classification (germline): Likely benign. Review status: criteria provided, multiple submitters, no conflicts (2 of 4 stars). 2 submissions from 2 submitters: Likely benign (2). Last evaluated 2026-01-05.

Conditions:
Congenital myopathy 4B, autosomal recessive. Also called: Nemaline myopathy 1, autosomal dominant or recessive. Identifiers: Orphanet 171433, Orphanet 171439, Orphanet 171881, MedGen C5829889, MONDO:0012239, OMIM 609284.
Congenital myopathy with fiber type disproportion. Also called: Congenital fiber-type disproportion myopathy; Congenital fiber-type disproportion. Identifiers: Orphanet 2020, MedGen C0546264, MONDO:0009711. Inheritance: all.

Allele frequency attached by ClinVar (database versions not stated): gnomAD 0.00001; TOPMed 0.00001.

Submissions (2):

Labcorp Genetics (formerly Invitae), Labcorp
Classification: Likely benign for Congenital myopathy with fiber type disproportion; Congenital myopathy 4B, autosomal recessive. Last evaluated: 2026-01-05. Review status: criteria provided, single submitter. Criteria: Invitae Variant Classification Sherloc (09022015). Collection method: clinical testing. Allele origin: germline.

GeneDx
Classification: Likely benign. Last evaluated: 2016-09-21. Review status: criteria provided, single submitter. Criteria: GeneDx Variant Classification (06012015). Collection method: clinical testing. Allele origin: germline. Affected: yes.
Comment: This variant is considered likely benign or benign based on one or more of the following criteria: it is a conservative change, it occurs at a poorly conserved position in the protein, it is predicted to be benign by multiple in silico algorithms, and/or has population frequency not consistent with disease.